The following is an entry in ClinVar:

ClinVar aggregate classification (germline): Uncertain significance (1 of 4 stars; one submission).

Conditions:
Bardet-Biedl syndrome (BBS). Identifiers: Orphanet 110, MedGen C0752166, MONDO:0015229.

Submission:

Labcorp Genetics (formerly Invitae), Labcorp
Classification: Uncertain significance for Bardet-Biedl syndrome. Last evaluated: 2022-06-03. Review status: criteria provided, single submitter. Criteria: Invitae Variant Classification Sherloc (09022015). Collection method: clinical testing. Allele origin: germline.
Comment: Algorithms developed to predict the effect of missense changes on protein structure and function output the following: SIFT: "Deleterious"; PolyPhen-2: "Benign"; Align-GVGD: "Class C0". The lysine amino acid residue is found in multiple mammalian species, which suggests that this missense change does not adversely affect protein function. This variant has not been reported in the literature in individuals affected with BBS10-related conditions. This variant is not present in population databases (gnomAD no frequency). This sequence change replaces threonine, which is neutral and polar, with lysine, which is basic and polar, at codon 502 of the BBS10 protein (p.Thr502Lys). In summary, the available evidence is currently insufficient to determine the role of this variant in disease. Therefore, it has been classified as a Variant of Uncertain Significance.

NM_024685.4(BBS10):c.1505C>A (p.Thr502Lys)

Gene: BBS10 (Bardet-Biedl syndrome 10; minus strand). Cytogenetic location: 12q21.2.
Variant type: single nucleotide variant.
Coding change: c.1505C>A on transcript NM_024685.4 (MANE Select); coding-DNA position 1505, C replaced by A.
Protein change: p.Thr502Lys; replaces threonine 502 with lysine.
Molecular consequence: missense variant.
Genome position (GRCh38, 1-based): chr12:76,346,480, G>T on the plus strand (C>A on the coding strand, the complement: BBS10 is on the minus strand). VCF-style: chr12-76346480-G-T. GRCh37 (hg19) VCF-style: chr12-76740260-G-T.
Other names: short protein forms T502K.
Identifiers: ClinVar variation 2002223 (VCV002002223.4), dbSNP rs2540955590, ClinGen allele CA385811020.